The following is an entry in ClinVar:

NM_178138.6(LHX3):c.931C>G (p.Pro311Ala)

Gene: LHX3 (LIM homeobox 3; minus strand). Cytogenetic location: 9q34.3.
Variant type: single nucleotide variant.
Coding change: c.931C>G on transcript NM_178138.6 (MANE Select); coding-DNA position 931, C replaced by G.
Protein change: p.Pro311Ala; replaces proline 311 with alanine.
Molecular consequence: missense variant.
Genome position (GRCh38, 1-based): chr9:136,197,588, G>C on the plus strand (C>G on the coding strand, the complement: LHX3 is on the minus strand). VCF-style: chr9-136197588-G-C. GRCh37 (hg19) VCF-style: chr9-139089434-G-C.
Other names: c.898C>G, p.Pro300Ala (NM_001363746.1); c.946C>G, p.Pro316Ala (NM_014564.5); short protein forms P300A, P311A, P316A.
Identifiers: ClinVar variation 1314145 (VCV001314145.3), dbSNP rs530525517, ClinGen allele CA5330290.

ClinVar aggregate classification (germline): Uncertain significance. Review status: criteria provided, multiple submitters, no conflicts (2 of 4 stars). 2 submissions from 2 submitters: Uncertain significance (2). Last evaluated 2024-08-28.

Conditions:
Inborn genetic diseases. Identifiers: MedGen C0950123, MeSH D030342.

Allele frequency attached by ClinVar (database versions not stated): 1000 Genomes Project 30x 0.00031; 1000 Genomes Project 0.00020; TOPMed 0.00008; ExAC 0.00009; gnomAD 0.00009; gnomAD exomes 0.00003.
gnomAD v4.1: 29 of 1,540,500 alleles (0.0019%); highest among the groups gnomAD compares: African/African-American, 0.033%; no homozygotes.

Submissions (2):

Ambry Genetics
Classification: Uncertain significance for Inborn genetic diseases. Last evaluated: 2024-08-28. Review status: criteria provided, single submitter. Criteria: Ambry Variant Classification Scheme 2023. Collection method: clinical testing. Allele origin: germline.

GeneDx
Classification: Uncertain significance. Last evaluated: 2021-02-25. Review status: criteria provided, single submitter. Criteria: GeneDx Variant Classification Process June 2021. Collection method: clinical testing. Allele origin: germline. Affected: yes.
Comment: In silico analysis supports that this missense variant does not alter protein structure/function; Has not been previously published as pathogenic or benign to our knowledge